The following is an entry in ClinVar:

ClinVar aggregate classification (germline): Uncertain significance (1 of 4 stars; one submission).

Conditions:
Deafness-lymphedema-leukemia syndrome. Also called: Lymphedema, primary, with myelodysplasia; Emberger syndrome. Identifiers: Orphanet 3226, MedGen C3279664, MONDO:0013540, OMIM 614038.
Monocytopenia with susceptibility to infections. Also called: MONOCYTOPENIA AND MYCOBACTERIAL INFECTION SYNDROME; MONOCYTOPENIA WITH SUSCEPTIBILITY TO MYCOBACTERIAL, FUNGAL, AND PAPILLOMAVIRUS INFECTIONS AND MYELODYSPLASIA; COMBINED IMMUNODEFICIENCY WITH SUSCEPTIBILITY TO MYCOBACTERIAL, VIRAL, AND FUNGAL INFECTIONS; Dendritic cell, monocyte, B lymphocyte, and natural killer lymphocyte deficiency; IMMUNODEFICIENCY 21; GATA2 DEFICIENCY. Identifiers: Orphanet 228423, MedGen C3280030, MONDO:0013607, OMIM 614172.

Submission:

Labcorp Genetics (formerly Invitae), Labcorp
Classification: Uncertain significance for Monocytopenia with susceptibility to infections; Deafness-lymphedema-leukemia syndrome. Last evaluated: 2021-03-26. Review status: criteria provided, single submitter. Criteria: Invitae Variant Classification Sherloc (09022015). Collection method: clinical testing. Allele origin: germline.
Comment: This sequence change replaces methionine with threonine at codon 400 of the GATA2 protein (p.Met400Thr). The methionine residue is moderately conserved and there is a moderate physicochemical difference between methionine and threonine. This variant is not present in population databases (ExAC no frequency). This variant has not been reported in the literature in individuals with GATA2-related conditions. Advanced modeling of protein sequence and biophysical properties (such as structural, functional, and spatial information, amino acid conservation, physicochemical variation, residue mobility, and thermodynamic stability) performed at Invitae indicates that this missense variant is expected to disrupt GATA2 protein function. In summary, the available evidence is currently insufficient to determine the role of this variant in disease. Therefore, it has been classified as a Variant of Uncertain Significance.

NM_032638.5(GATA2):c.1199T>C (p.Met400Thr)

Gene: GATA2 (GATA binding protein 2; minus strand). Cytogenetic location: 3q21.3.
Variant type: single nucleotide variant.
Coding change: c.1199T>C on transcript NM_032638.5 (MANE Select); coding-DNA position 1199, T replaced by C.
Protein change: p.Met400Thr; replaces methionine 400 with threonine.
Molecular consequence: missense variant.
Genome position (GRCh38, 1-based): chr3:128,481,263, A>G on the plus strand (T>C on the coding strand, the complement: GATA2 is on the minus strand). VCF-style: chr3-128481263-A-G. GRCh37 (hg19) VCF-style: chr3-128200106-A-G.
Other names: c.1199T>C, p.Met400Thr (NM_001145661.2); c.1157T>C, p.Met386Thr (NM_001145662.1); short protein forms M386T, M400T.
Identifiers: ClinVar variation 1525634 (VCV001525634.8), dbSNP rs2107668039, ClinGen allele CA354413188.